The following is an entry in ClinVar:

ClinVar aggregate classification (germline): Uncertain significance. Review status: criteria provided, multiple submitters, no conflicts (2 of 4 stars). 2 submissions from 2 submitters: Uncertain significance (2). Last evaluated 2024-11-28.

Conditions:
Inborn genetic diseases. Identifiers: MedGen C0950123, MeSH D030342.
Fanconi anemia (FA). Also called: Fanconi's anemia. Identifiers: Orphanet 84, MedGen C0015625, MeSH D005199, MONDO:0019391.

Submissions (2):

Ambry Genetics
Classification: Uncertain significance for Inborn genetic diseases. Last evaluated: 2024-11-28. Review status: criteria provided, single submitter. Criteria: Ambry Variant Classification Scheme 2023. Collection method: clinical testing. Allele origin: germline.
Comment: The p.A437G variant (also known as c.1310C>G), located in coding exon 14 of the FANCA gene, results from a C to G substitution at nucleotide position 1310. The alanine at codon 437 is replaced by glycine, an amino acid with similar properties. This amino acid position is conserved. In addition, the in silico prediction for this alteration is inconclusive. Based on the available evidence, the clinical significance of this variant remains unclear.

Labcorp Genetics (formerly Invitae), Labcorp
Classification: Uncertain significance for Fanconi anemia. Last evaluated: 2024-03-28. Review status: criteria provided, single submitter. Criteria: Invitae Variant Classification Sherloc (09022015). Collection method: clinical testing. Allele origin: germline.
Comment: This sequence change replaces alanine, which is neutral and non-polar, with glycine, which is neutral and non-polar, at codon 437 of the FANCA protein (p.Ala437Gly). This variant is not present in population databases (gnomAD no frequency). This variant has not been reported in the literature in individuals affected with FANCA-related conditions. Advanced modeling of protein sequence and biophysical properties (such as structural, functional, and spatial information, amino acid conservation, physicochemical variation, residue mobility, and thermodynamic stability) performed at Invitae indicates that this missense variant is not expected to disrupt FANCA protein function with a negative predictive value of 80%. In summary, the available evidence is currently insufficient to determine the role of this variant in disease. Therefore, it has been classified as a Variant of Uncertain Significance.

NM_000135.4(FANCA):c.1310C>G (p.Ala437Gly)

Gene: FANCA (FA complementation group A; minus strand). Cytogenetic location: 16q24.3.
Variant type: single nucleotide variant.
Coding change: c.1310C>G on transcript NM_000135.4 (MANE Select); coding-DNA position 1310, C replaced by G.
Protein change: p.Ala437Gly; replaces alanine 437 with glycine.
Molecular consequence: missense variant.
Genome position (GRCh38, 1-based): chr16:89,791,452, G>C on the plus strand (C>G on the coding strand, the complement: FANCA is on the minus strand). VCF-style: chr16-89791452-G-C. GRCh37 (hg19) VCF-style: chr16-89857860-G-C.
Other names: c.1310C>G, p.Ala437Gly (NM_001286167.3); short protein forms A437G.
Identifiers: ClinVar variation 3512691 (VCV003512691.3).
Genomic context (GRCh38, chr16:89,791,452, plus strand): 5'-AGGTCACTTACCTTGAACCAGTCTGCATATGACAGGAACGCAGAGGGGCCCTCCAGTGCT[G>C]CCTGGCGCACAACCAGGAACGCAGTGACCATGCTGTCCAGCTGGCAGCTCTCGAATGCCT-3'
Protein context (NP_000126.2, residues 427-447): MVTAFLVVRQ[Ala437Gly]ALEGPSAFLS